The following is an entry in ClinVar:

ClinVar aggregate classification (germline): Uncertain significance. Review status: criteria provided, multiple submitters, no conflicts (2 of 4 stars). 2 submissions from 2 submitters: Uncertain significance (2). Last evaluated 2026-07-23.

Conditions:
CEP290-related disorder. Also called: CEP290-related disorders; CEP290-related condition. Identifiers: MedGen CN239314.
Leber congenital amaurosis 10 (LCA10). Identifiers: Orphanet 65, MedGen C1857821, MONDO:0012723, OMIM 611755.
Meckel syndrome, type 4 (MKS4). Also called: MECKEL-GRUBER SYNDROME, TYPE 4. Identifiers: Orphanet 564, MedGen C1970161, MONDO:0012626, OMIM 611134.
Joubert syndrome 5 (JBTS5). Identifiers: Orphanet 2318, MedGen C1857780, MONDO:0012432, OMIM 610188.
Bardet-Biedl syndrome 14 (BBS14). Identifiers: Orphanet 110, MedGen C2673874, MONDO:0014442, OMIM 615991.
Senior-Loken syndrome 6 (SLSN6). Identifiers: Orphanet 3156, MedGen C1857779, MONDO:0012433, OMIM 610189.

gnomAD v4.1: 18 of 1,381,036 alleles (0.0013%); highest among the groups gnomAD compares: Non-Finnish European, 0.0016%; no homozygotes.

Submissions (2):

PreventionGenetics, part of Exact Sciences
Classification: Uncertain significance for CEP290-related condition. Last evaluated: 2026-07-23. Review status: criteria provided, single submitter. Criteria: ACMG Guidelines, 2015. Collection method: clinical testing. Allele origin: germline.
Comment: The CEP290 c.670-10A>G variant is predicted to interfere with splicing. This variant is predicted to alter splicing based on available splicing prediction programs (SpliceAI, Jaganathan et al. 2019. PubMed ID: 30661751). However, the use of computer prediction programs is not equivalent to functional evidence. To our knowledge, this variant has not been reported in the literature or in a large population database, indicating this variant is rare. At this time, the clinical significance of this variant is uncertain due to the absence of conclusive functional and genetic evidence.

Fulgent Genetics
Classification: Uncertain significance for Joubert syndrome 5; Senior-Loken syndrome 6; Meckel syndrome, type 4; Leber congenital amaurosis 10; Bardet-Biedl syndrome 14. Last evaluated: 2024-03-14. Review status: criteria provided, single submitter. Criteria: ACMG Guidelines, 2015. Collection method: clinical testing. Allele origin: germline.

NM_025114.4(CEP290):c.670-10A>G

Gene: CEP290 (centrosomal protein 290; minus strand). Cytogenetic location: 12q21.32.
Variant type: single nucleotide variant.
Coding change: c.670-10A>G on transcript NM_025114.4 (MANE Select); 10 bases into the intron before coding-DNA position 670, A replaced by G.
Molecular consequence: intron variant.
Genome position (GRCh38, 1-based): chr12:88,129,886, T>C on the plus strand (A>G on the coding strand, the complement: CEP290 is on the minus strand). VCF-style: chr12-88129886-T-C. GRCh37 (hg19) VCF-style: chr12-88523663-T-C.
Identifiers: ClinVar variation 3353649 (VCV003353649.3).